The following is an entry in ClinVar:

ClinVar aggregate classification (germline): Conflicting classifications of pathogenicity. Review status: criteria provided, conflicting classifications (1 of 4 stars). 4 submissions from 4 submitters: Uncertain significance (1); Likely benign (2). 1 of the submissions does not count toward it. Last evaluated 2026-01-04.

Conditions:
Autosomal recessive proximal renal tubular acidosis (PRTAO). Also called: RTA, PROXIMAL, AUTOSOMAL RECESSIVE; RENAL TUBULAR ACIDOSIS, PROXIMAL, WITH OCULAR ABNORMALITIES AND MENTAL RETARDATION; RENAL TUBULAR ACIDOSIS, PROXIMAL, WITH OCULAR ABNORMALITIES AND IMPAIRED INTELLECTUAL DEVELOPMENT; PROXIMAL RENAL TUBULAR ACIDOSIS-OCULAR ANOMALY SYNDROME. Identifiers: Orphanet 93607, MedGen C1970309, MONDO:0011422, OMIM 604278.
SLC4A4-related disorder. Also called: SLC4A4-related condition.

Allele frequency attached by ClinVar (database versions not stated): 1000 Genomes Project 30x 0.00016; gnomAD 0.00019 and 0.00023; 1000 Genomes Project 0.00020; ESP Exome Variant Server 0.00023; TOPMed 0.00025; gnomAD exomes 0.00026 and 0.00043; ExAC 0.00038.
gnomAD v4.1: 405 of 1,608,414 alleles (0.025%); highest among the groups gnomAD compares: Admixed American, 0.13%; no homozygotes.

Submissions (5):

Labcorp Genetics (formerly Invitae), Labcorp
Classification: Likely benign. Last evaluated: 2026-01-04. Review status: criteria provided, single submitter. Criteria: Invitae Variant Classification Sherloc (09022015). Collection method: clinical testing. Allele origin: germline.

Mayo Clinic Laboratories, Mayo Clinic
Classification: Likely benign. Last evaluated: 2025-01-31. Review status: criteria provided, single submitter. Criteria: ACMG Guidelines, 2015. Collection method: clinical testing. Allele origin: germline. Observed: 1 variant allele.
Comment: BP4, BP7

Illumina Laboratory Services, Illumina
Classification: Uncertain significance for Autosomal recessive proximal renal tubular acidosis. Last evaluated: 2018-01-13. Review status: criteria provided, single submitter. Criteria: ICSL Variant Classification Criteria 13 December 2019. Collection method: clinical testing. Allele origin: germline.

PreventionGenetics, part of Exact Sciences
Classification: Likely benign for SLC4A4-related condition. Last evaluated: 2019-03-22. Review status: no assertion criteria provided. Collection method: clinical testing. Allele origin: germline. Not counted in ClinVar's aggregate classification.
Comment: This variant is classified as likely benign based on ACMG/AMP sequence variant interpretation guidelines (Richards et al. 2015 PMID: 25741868, with internal and published modifications).

Dr. Peter K. Rogan Lab, Western University
No classification provided (evidence only). Condition: Malignant tumor of urinary bladder. Review status: no classification provided. Collection method: in vitro. Allele origin: not applicable. Functional consequence: retained intron. Not counted in ClinVar's aggregate classification.

NM_001098484.3(SLC4A4):c.3177C>T (p.Ser1059=)

Gene: SLC4A4 (solute carrier family 4 member 4; plus strand). Cytogenetic location: 4q13.3.
Variant type: single nucleotide variant.
Coding change: c.3177C>T on transcript NM_001098484.3 (MANE Select); coding-DNA position 3177, C replaced by T.
Protein change: p.Ser1059=; no amino-acid change (serine 1059 retained).
Molecular consequence: synonymous variant. On other transcripts: intron variant (1).
Genome position (GRCh38, 1-based): chr4:71,563,870, C>T. VCF-style: chr4-71563870-C-T. GRCh37 (hg19) VCF-style: chr4-72429587-C-T.
Other names: p.Ser1059=; c.3045C>T, p.Ser1015= (NM_003759.4); c.3100-3134C>T (NM_001134742.2).
Identifiers: ClinVar variation 349558 (VCV000349558.13), dbSNP rs139191615, ClinGen allele CA2955298.